The following is an entry in ClinVar:

ClinVar aggregate classification (germline): Pathogenic (1 of 4 stars; one submission).

Submission:

Labcorp Genetics (formerly Invitae), Labcorp
Classification: Pathogenic. Last evaluated: 2024-01-29. Review status: criteria provided, single submitter. Criteria: Invitae Variant Classification Sherloc (09022015). Collection method: clinical testing. Allele origin: germline.
Comment: This sequence change creates a premature translational stop signal (p.Gln1341Argfs*18) in the PTPN23 gene. It is expected to result in an absent or disrupted protein product. Loss-of-function variants in PTPN23 are known to be pathogenic (PMID: 29090338, 29899372). This variant is not present in population databases (gnomAD no frequency). This variant has not been reported in the literature in individuals affected with PTPN23-related conditions. ClinVar contains an entry for this variant (Variation ID: 2039070). Experimental studies and prediction algorithms are not available or were not evaluated, and the functional significance of this variant is currently unknown. For these reasons, this variant has been classified as Pathogenic.

Literature cited by the submitters: PubMed 29090338; PubMed 29899372.

NM_015466.4(PTPN23):c.4022del (p.Gln1341fs)

Gene: PTPN23 (protein tyrosine phosphatase non-receptor type 23; plus strand). Cytogenetic location: 3p21.31.
Variant type: Deletion.
Coding change: c.4022del on transcript NM_015466.4 (MANE Select); coding-DNA position 4022, one base deleted (A; older notation c.4022delA).
Protein change: p.Gln1341fs; shifts the reading frame from glutamine 1341.
Molecular consequence: frameshift variant.
Genome position (GRCh38, 1-based): chr3:47,411,916, A deleted. VCF-style (leftmost placement, unchanged base first): chr3-47411915-CA-C. GRCh37 (hg19) VCF-style: chr3-47453405-CA-C.
Other names: c.3644del, p.Gln1215fs (NM_001304482.2); short protein forms Q1215fs, Q1341fs.
Identifiers: ClinVar variation 2039070 (VCV002039070.4), dbSNP rs2546256203, ClinGen allele CA2580070046.